The following is an entry in ClinVar:

ClinVar aggregate classification (germline): Conflicting classifications of pathogenicity. Review status: criteria provided, conflicting classifications (1 of 4 stars). 3 submissions from 3 submitters: Uncertain significance (2); Likely benign (1). Last evaluated 2025-04-13.

Conditions:
Renal cell carcinoma. Identifiers: Orphanet 217071, MedGen C0007134, MeSH D002292, MONDO:0005086, HP:0005584.
Hereditary cancer-predisposing syndrome. Also called: Neoplastic Syndromes, Hereditary; Hereditary Cancer Syndrome; Tumor predisposition; Hereditary neoplastic syndrome. Identifiers: Orphanet 140162, MedGen C0027672, MeSH D009386, MONDO:0015356.

Submissions (3):

Labcorp Genetics (formerly Invitae), Labcorp
Classification: Uncertain significance for Renal cell carcinoma. Last evaluated: 2025-04-13. Review status: criteria provided, single submitter. Criteria: Invitae Variant Classification Sherloc (09022015). Collection method: clinical testing. Allele origin: germline.
Comment: This sequence change replaces phenylalanine, which is neutral and non-polar, with valine, which is neutral and non-polar, at codon 281 of the MET protein (p.Phe281Val). This variant is not present in population databases (gnomAD no frequency). This variant has not been reported in the literature in individuals affected with MET-related conditions. ClinVar contains an entry for this variant (Variation ID: 1036057). Invitae Evidence Modeling of protein sequence and biophysical properties (such as structural, functional, and spatial information, amino acid conservation, physicochemical variation, residue mobility, and thermodynamic stability) indicates that this missense variant is not expected to disrupt MET protein function with a negative predictive value of 80%. In summary, the available evidence is currently insufficient to determine the role of this variant in disease. Therefore, it has been classified as a Variant of Uncertain Significance.

Ambry Genetics
Classification: Likely benign for Hereditary cancer-predisposing syndrome. Last evaluated: 2025-03-28. Review status: criteria provided, single submitter. Criteria: Ambry Variant Classification Scheme 2023. Collection method: clinical testing. Allele origin: germline.

Sema4
Classification: Uncertain significance for Hereditary cancer-predisposing syndrome. Last evaluated: 2021-09-17. Review status: criteria provided, single submitter. Criteria: Sema4 Curation Guidelines. Collection method: curation. Allele origin: germline.
Comment: The MET c.841T>G (p.F281V) variant has not been reported in the literature to our knowledge. It was not observed in the Genome Aggregation Database (PMID: 32461654). The variant has been reported in ClinVar (Variation ID 1036057). Functional studies have not been performed, and in silico predictions of the variant's effect on protein function are inconclusive. The evidence is insufficient to meet ACMG/AMP criteria for classifying the variant as benign or pathogenic. Thus, the clinical significance of this variant is currently uncertain.

Literature cited by the submitters: PubMed 34646395 (cited by Ambry Genetics).

NM_000245.4(MET):c.841T>G (p.Phe281Val)

Gene: MET (MET proto-oncogene, receptor tyrosine kinase; plus strand). Cytogenetic location: 7q31.2.
Variant type: single nucleotide variant.
Coding change: c.841T>G on transcript NM_000245.4 (MANE Select); coding-DNA position 841, T replaced by G.
Protein change: p.Phe281Val; replaces phenylalanine 281 with valine.
Molecular consequence: missense variant. On other transcripts: intron variant (1).
Genome position (GRCh38, 1-based): chr7:116,699,925, T>G. VCF-style: chr7-116699925-T-G. GRCh37 (hg19) VCF-style: chr7-116339979-T-G.
Other names: c.841T>G, p.Phe281Val (NM_001127500.3, NM_001324401.3); c.-91+27348T>G (NM_001324402.2); short protein forms F281V.
Identifiers: ClinVar variation 1036057 (VCV001036057.13), dbSNP rs1791504987, ClinGen allele CA368969968.